The following is an entry in ClinVar:

NM_017534.6(MYH2):c.649G>A (p.Gly217Arg)

Genes: MYH2 (myosin heavy chain 2; minus strand), MYHAS (myosin heavy chain gene cluster antisense RNA; plus strand), LOC126862501 (CDK7 strongly-dependent group 2 enhancer GRCh37_chr17:10446256-10447455; plus strand). Cytogenetic location: 17p13.1.
Variant type: single nucleotide variant.
Coding change: c.649G>A on transcript NM_017534.6 (MANE Select); coding-DNA position 649, G replaced by A.
Protein change: p.Gly217Arg; replaces glycine 217 with arginine.
Molecular consequence: missense variant.
Genome position (GRCh38, 1-based): chr17:10,543,803, C>T on the plus strand (G>A on the coding strand, the complement: MYH2 is on the minus strand). VCF-style: chr17-10543803-C-T. GRCh37 (hg19) VCF-style: chr17-10447120-C-T.
Other names: c.649G>A, p.Gly217Arg (NM_001100112.2); short protein forms G217R.
Identifiers: ClinVar variation 887989 (VCV000887989.9), dbSNP rs1204821136, ClinGen allele CA398168995.

ClinVar aggregate classification (germline): Uncertain significance. Review status: criteria provided, multiple submitters, no conflicts (2 of 4 stars). 2 submissions from 2 submitters: Uncertain significance (2). Last evaluated 2021-11-27.

Conditions:
Myopathy, proximal, and ophthalmoplegia (CMYO6). Also called: MYOPATHY WITH CONGENITAL JOINT CONTRACTURES, OPHTHALMOPLEGIA, AND RIMMED VACUOLES; INCLUSION BODY MYOPATHY 3, AUTOSOMAL DOMINANT; CONGENITAL MYOPATHY 6 WITH OPHTHALMOPLEGIA. Identifiers: Orphanet 363677, Orphanet 79091, MedGen C1854106, MONDO:0011577, OMIM 605637.

Allele frequency attached by ClinVar (database versions not stated): gnomAD 0.00001.

Submissions (2):

Labcorp Genetics (formerly Invitae), Labcorp
Classification: Uncertain significance for Myopathy, proximal, and ophthalmoplegia. Last evaluated: 2021-11-27. Review status: criteria provided, single submitter. Criteria: Invitae Variant Classification Sherloc (09022015). Collection method: clinical testing. Allele origin: germline.
Comment: This sequence change replaces glycine, which is neutral and non-polar, with arginine, which is basic and polar, at codon 217 of the MYH2 protein (p.Gly217Arg). This variant is present in population databases (no rsID available, gnomAD 0.007%). This variant has not been reported in the literature in individuals affected with MYH2-related conditions. ClinVar contains an entry for this variant (Variation ID: 887989). Algorithms developed to predict the effect of missense changes on protein structure and function (SIFT, PolyPhen-2, Align-GVGD) all suggest that this variant is likely to be disruptive. In summary, the available evidence is currently insufficient to determine the role of this variant in disease. Therefore, it has been classified as a Variant of Uncertain Significance.

Illumina Laboratory Services, Illumina
Classification: Uncertain significance for Myopathy, proximal, and ophthalmoplegia. Last evaluated: 2017-04-27. Review status: criteria provided, single submitter. Criteria: ICSL Variant Classification Criteria 13 December 2019. Collection method: clinical testing. Allele origin: germline.